The following is an entry in ClinVar:

NM_001130009.3(GEN1):c.2366T>C (p.Ile789Thr)

Gene: GEN1 (GEN1 Holliday junction 5' flap endonuclease; plus strand). Cytogenetic location: 2p24.2.
Variant type: single nucleotide variant.
Coding change: c.2366T>C on transcript NM_001130009.3 (MANE Select); coding-DNA position 2366, T replaced by C.
Protein change: p.Ile789Thr; replaces isoleucine 789 with threonine.
Molecular consequence: missense variant.
Genome position (GRCh38, 1-based): chr2:17,781,578, T>C. VCF-style: chr2-17781578-T-C. GRCh37 (hg19) VCF-style: chr2-17962845-T-C.
Other names: c.2366T>C, p.Ile789Thr (NM_182625.5); short protein forms I789T.
Identifiers: ClinVar variation 3853584 (VCV003853584.1).

ClinVar aggregate classification (germline): Uncertain significance (1 of 4 stars; one submission).

gnomAD v4.1: 8 of 1,613,760 alleles (0.0005%); highest among the groups gnomAD compares: South Asian, 0.0011%; no homozygotes.

Submission:

Ambry Genetics
Classification: Uncertain significance. Last evaluated: 2025-02-21. Review status: criteria provided, single submitter. Criteria: Ambry Variant Classification Scheme 2023. Collection method: clinical testing. Allele origin: germline.
Comment: The p.I789T variant (also known as c.2366T>C), located in coding exon 13 of the GEN1 gene, results from a T to C substitution at nucleotide position 2366. The isoleucine at codon 789 is replaced by threonine, an amino acid with similar properties. This amino acid position is conserved. In addition, this alteration is predicted to be tolerated by in silico analysis. Based on the available evidence, the clinical significance of this variant remains unclear.